The following is an entry in ClinVar:

NM_080605.4(B3GALT6):c.859C>T (p.Leu287=)

Gene: B3GALT6 (beta-1,3-galactosyltransferase 6; plus strand). Cytogenetic location: 1p36.33.
Variant type: single nucleotide variant.
Coding change: c.859C>T on transcript NM_080605.4 (MANE Select); coding-DNA position 859, C replaced by T.
Protein change: p.Leu287=; no amino-acid change (leucine 287 retained).
Molecular consequence: synonymous variant.
Genome position (GRCh38, 1-based): chr1:1,233,137, C>T. VCF-style: chr1-1233137-C-T. GRCh37 (hg19) VCF-style: chr1-1168517-C-T.
Other names: c.859C>T (NM_080605.3).
Identifiers: ClinVar variation 1620953 (VCV001620953.10), dbSNP rs766907387, ClinGen allele CA513452.
Genomic context (GRCh38, chr1:1,233,137, plus strand): 5'-CGGTCCCGCGGCTGCAGCAACCAGTACCTGGTGACGCACAAGCAGAGCCTGGAGGACATG[C>T]TGGAGAAGCACGCGACGCTGGCGCGCGAGGGCCGCCTGTGCAAGCGCGAGGTGCAGCTGC-3'
Protein context (NP_542172.2, residues 277-297): VTHKQSLEDM[Leu287=]EKHATLAREG

ClinVar aggregate classification (germline): Likely benign. Review status: criteria provided, single submitter (1 of 4 stars). 2 submissions from 2 submitters: Likely benign (1). 1 of the submissions does not count toward it. Last evaluated 2023-08-23.

Conditions:
B3GALT6-related disorder. Also called: B3GALT6-related condition.
Ehlers-Danlos syndrome, spondylodysplastic type, 2 (EDSSPD2). Also called: Ehlers-Danlos syndrome, progeroid type, 2. Identifiers: Orphanet 536467, Orphanet 75496, MedGen C3809210, MONDO:0014139, OMIM 615349.
Spondyloepimetaphyseal dysplasia with joint laxity (SEMDJL). Identifiers: MedGen C0432243, MONDO:0019675.

Allele frequency attached by ClinVar (database versions not stated): gnomAD exomes 0.00001; TOPMed 0.00002; gnomAD 0.00005; ExAC 0.00006.
gnomAD v4.1: 11 of 1,559,246 alleles (0.00071%); highest among the groups gnomAD compares: African/African-American, 0.014%; no homozygotes.

Submissions (2):

Labcorp Genetics (formerly Invitae), Labcorp
Classification: Likely benign for Ehlers-Danlos syndrome, spondylodysplastic type, 2; Spondyloepimetaphyseal dysplasia with joint laxity. Last evaluated: 2023-08-23. Review status: criteria provided, single submitter. Criteria: Invitae Variant Classification Sherloc (09022015). Collection method: clinical testing. Allele origin: germline.

PreventionGenetics, part of Exact Sciences
Classification: Likely benign for B3GALT6-related condition. Last evaluated: 2020-04-10. Review status: no assertion criteria provided. Collection method: clinical testing. Allele origin: germline. Not counted in ClinVar's aggregate classification.
Comment: This variant is classified as likely benign based on ACMG/AMP sequence variant interpretation guidelines (Richards et al. 2015 PMID: 25741868, with internal and published modifications).